The following is an entry in ClinVar:

NM_003721.4(RFXANK):c.370G>A (p.Gly124Ser)

Gene: RFXANK (regulatory factor X associated ankyrin containing protein; plus strand). Cytogenetic location: 19p13.11.
Variant type: single nucleotide variant.
Coding change: c.370G>A on transcript NM_003721.4 (MANE Select); coding-DNA position 370, G replaced by A.
Protein change: p.Gly124Ser; replaces glycine 124 with serine.
Molecular consequence: missense variant.
Genome position (GRCh38, 1-based): chr19:19,197,553, G>A. VCF-style: chr19-19197553-G-A. GRCh37 (hg19) VCF-style: chr19-19308362-G-A.
Other names: c.304G>A, p.Gly102Ser (NM_001370234.1, NM_001278727.2); c.367G>A, p.Gly123Ser (NM_001370235.1, NM_001370236.1, NM_001370237.1); c.370G>A, p.Gly124Ser (NM_001370238.1, NM_001370233.1); c.301G>A, p.Gly101Ser (NM_134440.3, NM_001278728.2); short protein forms G123S, G101S, G102S, G124S.
Identifiers: ClinVar variation 1443792 (VCV001443792.4), dbSNP rs377750233, ClinGen allele CA9322723.

ClinVar aggregate classification (germline): Uncertain significance (1 of 4 stars; one submission).

Conditions:
MHC class II deficiency. Also called: BLS, TYPE II; Bare lymphocyte syndrome 2. Identifiers: Orphanet 572, MedGen C5447452, MONDO:0008855.

Allele frequency attached by ClinVar (database versions not stated): gnomAD 0.00001; gnomAD exomes 0.00002 and 0.00004; ExAC 0.00003; TOPMed 0.00003; ESP Exome Variant Server 0.00008.
gnomAD v4.1: 60 of 1,613,806 alleles (0.0037%); highest among the groups gnomAD compares: Admixed American, 0.005%; no homozygotes.

Submission:

Labcorp Genetics (formerly Invitae), Labcorp
Classification: Uncertain significance for MHC class II deficiency. Last evaluated: 2021-07-29. Review status: criteria provided, single submitter. Criteria: Invitae Variant Classification Sherloc (09022015). Collection method: clinical testing. Allele origin: germline.
Comment: In summary, the available evidence is currently insufficient to determine the role of this variant in disease. Therefore, it has been classified as a Variant of Uncertain Significance. Algorithms developed to predict the effect of missense changes on protein structure and function (SIFT, PolyPhen-2, Align-GVGD) all suggest that this variant is likely to be disruptive. This variant has not been reported in the literature in individuals affected with RFXANK-related conditions. This variant is present in population databases (rs377750233, ExAC 0.009%). This sequence change replaces glycine with serine at codon 124 of the RFXANK protein (p.Gly124Ser). The glycine residue is highly conserved and there is a small physicochemical difference between glycine and serine.